The following is an entry in ClinVar:

ClinVar aggregate classification (germline): Uncertain significance. Review status: criteria provided, multiple submitters, no conflicts (2 of 4 stars). 5 submissions from 5 submitters: Uncertain significance (5). Last evaluated 2024-07-19.

Conditions:
Cranioectodermal dysplasia 1 (CED1). Also called: LEVIN SYNDROME I. Identifiers: Orphanet 1515, MedGen C0432235, MONDO:0021093, OMIM 218330.
Inborn genetic diseases. Identifiers: MedGen C0950123, MeSH D030342.

Allele frequency attached by ClinVar (database versions not stated): ESP Exome Variant Server 0.00008; ExAC 0.00012; gnomAD exomes 0.00015 and 0.00026; gnomAD 0.00017 and 0.00019; TOPMed 0.00018.
gnomAD v4.1: 399 of 1,614,122 alleles (0.025%); highest among the groups gnomAD compares: Admixed American, 0.035%; no homozygotes.

Submissions (5):

Blueprint Genetics
Classification: Uncertain significance. Last evaluated: 2024-07-19. Review status: criteria provided, single submitter. Criteria: ACMG Guidelines, 2015. Collection method: clinical testing. Allele origin: germline.

Labcorp Genetics (formerly Invitae), Labcorp
Classification: Uncertain significance for Cranioectodermal dysplasia 1. Last evaluated: 2022-05-27. Review status: criteria provided, single submitter. Criteria: Invitae Variant Classification Sherloc (09022015). Collection method: clinical testing. Allele origin: germline.
Comment: This sequence change replaces methionine, which is neutral and non-polar, with isoleucine, which is neutral and non-polar, at codon 971 of the IFT122 protein (p.Met971Ile). This variant is present in population databases (rs374188891, gnomAD 0.04%). This variant has not been reported in the literature in individuals affected with IFT122-related conditions. Algorithms developed to predict the effect of missense changes on protein structure and function (SIFT, PolyPhen-2, Align-GVGD) all suggest that this variant is likely to be tolerated. In summary, the available evidence is currently insufficient to determine the role of this variant in disease. Therefore, it has been classified as a Variant of Uncertain Significance.

Fulgent Genetics
Classification: Uncertain significance for Cranioectodermal dysplasia 1. Last evaluated: 2022-02-07. Review status: criteria provided, single submitter. Criteria: ACMG Guidelines, 2015. Collection method: clinical testing. Allele origin: unknown.

Ambry Genetics
Classification: Uncertain significance for Inborn genetic diseases. Last evaluated: 2021-10-12. Review status: criteria provided, single submitter. Criteria: Ambry Variant Classification Scheme 2023. Collection method: clinical testing. Allele origin: germline.

Breakthrough Genomics
Classification: Uncertain significance. Review status: criteria provided, single submitter. Criteria: ACMG Guidelines, 2015. Collection method: not provided. Allele origin: germline. Inheritance: Autosomal recessive inheritance. Affected: yes.

NM_052989.3(IFT122):c.2760G>A (p.Met920Ile)

Gene: IFT122 (intraflagellar transport 122; plus strand). Cytogenetic location: 3q22.1.
Variant type: single nucleotide variant.
Coding change: c.2760G>A on transcript NM_052989.3 (MANE Select); coding-DNA position 2760, G replaced by A.
Protein change: p.Met920Ile; replaces methionine 920 with isoleucine.
Molecular consequence: missense variant.
Genome position (GRCh38, 1-based): chr3:129,506,518, G>A. VCF-style: chr3-129506518-G-A. GRCh37 (hg19) VCF-style: chr3-129225361-G-A.
Other names: c.2913G>A (NM_052985.2); c.2736G>A, p.Met912Ile (NM_001280541.2); c.2310G>A, p.Met770Ile (NM_001280545.2); c.2133G>A, p.Met711Ile (NM_001280546.2); c.2583G>A, p.Met861Ile (NM_018262.4); c.2913G>A, p.Met971Ile (NM_052985.4); c.2427G>A, p.Met809Ile (NM_052990.3); short protein forms M809I, M912I, M920I, M861I, M711I, M971I, M770I.
Identifiers: ClinVar variation 1509587 (VCV001509587.7), dbSNP rs374188891, ClinGen allele CA2606635.
Genomic context (GRCh38, chr3:129,506,518, plus strand): 5'-GCTCACAAACAATGCCGTGGCGGAGAGCAGGTTTAATGATGCTGCCTATTATTACTGGAT[G>A]CTGTCCATGCAGTGCCTCGATATAGCTCAAGGTGTGTAAACATCAGCCAGACCACTGTTT-3'
Protein context (NP_443715.1, residues 910-930): RFNDAAYYYW[Met920Ile]LSMQCLDIAQ